The following is an entry in ClinVar:

ClinVar aggregate classification (germline): Uncertain significance (1 of 4 stars; one submission).

Submission:

GeneDx
Classification: Uncertain significance. Last evaluated: 2024-02-28. Review status: criteria provided, single submitter. Criteria: GeneDx Variant Classification Process June 2021. Collection method: clinical testing. Allele origin: germline. Affected: yes.
Comment: Not observed at significant frequency in large population cohorts (gnomAD); In silico analysis supports that this missense variant does not alter protein structure/function; Has not been previously published as pathogenic or benign to our knowledge

NM_015107.3(PHF8):c.1297C>A (p.Leu433Met)

Gene: PHF8 (PHD finger protein 8; minus strand). Cytogenetic location: Xp11.22.
Variant type: single nucleotide variant.
Coding change: c.1297C>A on transcript NM_015107.3 (MANE Select); coding-DNA position 1297, C replaced by A.
Protein change: p.Leu433Met; replaces leucine 433 with methionine.
Molecular consequence: missense variant.
Genome position (GRCh38, 1-based): chrX:53,995,719, G>T on the plus strand (C>A on the coding strand, the complement: PHF8 is on the minus strand). VCF-style: chrX-53995719-G-T. GRCh37 (hg19) VCF-style: chrX-54022152-G-T.
Other names: c.1405C>A, p.Leu469Met (NM_001184896.1); c.1297C>A, p.Leu433Met (NM_001184897.2, NM_001184898.2); short protein forms L433M, L469M.
Identifiers: ClinVar variation 3373508 (VCV003373508.1).